The following is an entry in ClinVar:

NM_003356.4(UCP3):c.285C>T (p.Arg95=)

Gene: UCP3 (uncoupling protein 3; minus strand). Cytogenetic location: 11q13.4.
Variant type: single nucleotide variant.
Coding change: c.285C>T on transcript NM_003356.4 (MANE Select); coding-DNA position 285, C replaced by T.
Protein change: p.Arg95=; no amino-acid change (arginine 95 retained).
Molecular consequence: synonymous variant.
Genome position (GRCh38, 1-based): chr11:74,006,221, G>A on the plus strand (C>T on the coding strand, the complement: UCP3 is on the minus strand). VCF-style: chr11-74006221-G-A. GRCh37 (hg19) VCF-style: chr11-73717266-G-A.
Other names: c.285C>T, p.Arg95= (NM_022803.3).
Identifiers: ClinVar variation 4982994 (VCV004982994.1).

ClinVar aggregate classification (germline): Likely benign (1 of 4 stars; one submission).

Conditions:
UCP3-related disorder. Also called: UCP3-related condition.

gnomAD v4.1: 7 of 1,614,170 alleles (0.00043%); highest among the groups gnomAD compares: Middle Eastern, 0.016%; no homozygotes.

Submission:

PreventionGenetics, part of Exact Sciences
Classification: Likely benign for UCP3-related condition. Last evaluated: 2025-12-17. Review status: criteria provided, single submitter. Criteria: ACMG Guidelines, 2015. Collection method: clinical testing. Allele origin: germline.
Comment: This variant is classified as likely benign based on ACMG/AMP sequence variant interpretation guidelines (Richards et al. 2015 PMID: 25741868, with internal and published modifications).